The following is an entry in ClinVar:

ClinVar aggregate classification (germline): Likely pathogenic. Review status: criteria provided, single submitter (1 of 4 stars). 2 submissions from 2 submitters: Likely pathogenic (1). 1 of the submissions does not count toward it. Last evaluated 2016-11-01.

Conditions:
KMT2D-related disorder. Also called: KMT2D-Related Disorders.
Kabuki syndrome 1 (KABUK1). Also called: KMT2D-Related Kabuki Syndrome. Identifiers: Orphanet 2322, MedGen CN030661, MONDO:0007843, OMIM 147920.

Submissions (2):

Center for Human Genetics, Inc
Classification: Likely pathogenic for Kabuki syndrome 1. Last evaluated: 2016-11-01. Review status: criteria provided, single submitter. Criteria: ACMG Guidelines, 2015. Collection method: clinical testing. Allele origin: germline. Affected: yes.

PreventionGenetics, part of Exact Sciences
Classification: Likely pathogenic for KMT2D-related condition. Last evaluated: 2024-04-16. Review status: no assertion criteria provided. Collection method: clinical testing. Allele origin: germline. Not counted in ClinVar's aggregate classification.
Comment: The KMT2D c.2578_2579delCT variant is predicted to result in a frameshift and premature protein termination (p.Leu860Valfs*5). To our knowledge, this variant has not been reported in the literature or in a large population database, indicating this variant is rare. Frameshift variants in KMT2D are expected to be pathogenic. This variant is interpreted as likely pathogenic.

NM_003482.4(KMT2D):c.2578_2579del (p.Leu860fs)

Gene: KMT2D (lysine methyltransferase 2D; minus strand). Cytogenetic location: 12q13.12.
Variant type: Deletion.
Coding change: c.2578_2579del on transcript NM_003482.4 (MANE Select); coding-DNA positions 2578 to 2579, 2 bases deleted (CT; older notation c.2578_2579delCT).
Protein change: p.Leu860fs; shifts the reading frame from leucine 860.
Molecular consequence: frameshift variant.
Genome position (GRCh38, 1-based): chr12:49,051,104-49,051,105, AG deleted on the plus strand (CT on the coding strand, the reverse complement: KMT2D is on the minus strand). VCF-style (leftmost placement, unchanged base first): chr12-49051103-CAG-C. GRCh37 (hg19) VCF-style: chr12-49444886-CAG-C.
Other names: c.2578_2579delCT (NM_003482.3); short protein forms L860fs.
Identifiers: ClinVar variation 547409 (VCV000547409.2), dbSNP rs1555196742, ClinGen allele CA658823414.